The following is an entry in ClinVar:

NM_001374828.1(ARID1B):c.588_614del (p.Phe196_Gln205delinsLeu)

Genes: ARID1B (AT-rich interaction domain 1B; plus strand), LOC115308161 (uncharacterized LOC115308161; minus strand). Cytogenetic location: 6q25.3.
Variant type: Deletion.
Coding change: c.588_614del on transcript NM_001374828.1 (MANE Select); coding-DNA positions 588 to 614, 27 bases deleted (CCAGCAGCAGCAGCAGCAGCAGCAACA).
Protein change: p.Phe196_Gln205delinsLeu.
Molecular consequence: inframe indel. On other transcripts: non-coding transcript variant (1).
Genome position (GRCh38, 1-based): chr6:156,778,268-156,778,294, CCAGCAGCAGCAGCAGCAGCAGCAACA deleted. VCF-style (leftmost placement, unchanged base first): chr6-156778267-TCCAGCAGCAGCAGCAGCAGCAGCAACA-T. GRCh37 (hg19) VCF-style: chr6-157099401-TCCAGCAGCAGCAGCAGCAGCAGCAACA-T.
Other names: c.339_365del27 (NM_020732.3); c.588_614del, p.Phe196_Gln205delinsLeu (NM_001371656.1, NM_001374820.1, NM_017519.3).
Identifiers: ClinVar variation 589577 (VCV000589577.7), dbSNP rs1321302086, ClinGen allele CA571907133.

ClinVar aggregate classification (germline): Conflicting classifications of pathogenicity. Review status: criteria provided, conflicting classifications (1 of 4 stars). 2 submissions from 2 submitters: Uncertain significance (1); Likely benign (1). Last evaluated 2024-07-19.

Conditions:
Inborn genetic diseases. Identifiers: MedGen C0950123, MeSH D030342.

Allele frequency attached by ClinVar (database versions not stated): TOPMed below 0.00001; gnomAD 0.00001; gnomAD exomes 0.00001.

Submissions (2):

Labcorp Genetics (formerly Invitae), Labcorp
Classification: Uncertain significance. Last evaluated: 2024-07-19. Review status: criteria provided, single submitter. Criteria: Invitae Variant Classification Sherloc (09022015). Collection method: clinical testing. Allele origin: germline.
Comment: This variant, c.339_365del, results in the deletion of 10 and the insertion of 1 amino acid(s) of the ARID1B protein (p.Phe113_Gln122delinsLeu), but otherwise preserves the integrity of the reading frame. The frequency data for this variant in the population databases is considered unreliable, as metrics indicate poor data quality at this position in the gnomAD database. This variant has not been reported in the literature in individuals affected with ARID1B-related conditions. ClinVar contains an entry for this variant (Variation ID: 589577). Experimental studies and prediction algorithms are not available or were not evaluated, and the functional significance of this variant is currently unknown. In summary, the available evidence is currently insufficient to determine the role of this variant in disease. Therefore, it has been classified as a Variant of Uncertain Significance.

Ambry Genetics
Classification: Likely benign for Inborn genetic diseases. Last evaluated: 2017-03-21. Review status: criteria provided, single submitter. Criteria: Ambry Variant Classification Scheme 2023. Collection method: clinical testing. Allele origin: germline.